The following is an entry in ClinVar:

ClinVar aggregate classification (germline): Uncertain significance. Review status: criteria provided, multiple submitters, no conflicts (2 of 4 stars). 2 submissions from 2 submitters: Uncertain significance (2). Last evaluated 2024-12-16.

Conditions:
Inborn genetic diseases. Identifiers: MedGen C0950123, MeSH D030342.
Mosaic variegated aneuploidy syndrome 1 (MVA1). Also called: Warburton-Anyane-Yeboa syndrome. Identifiers: Orphanet 1052, MedGen C1850343, MONDO:0009759, OMIM 257300.

Allele frequency attached by ClinVar (database versions not stated): gnomAD exomes 0.00003 and 0.00002; ExAC 0.00005.
gnomAD v4.1: 30 of 1,613,834 alleles (0.0019%); highest among the groups gnomAD compares: Non-Finnish European, 0.0023%; no homozygotes.

Submissions (2):

Labcorp Genetics (formerly Invitae), Labcorp
Classification: Uncertain significance for Mosaic variegated aneuploidy syndrome 1. Last evaluated: 2024-12-16. Review status: criteria provided, single submitter. Criteria: Invitae Variant Classification Sherloc (09022015). Collection method: clinical testing. Allele origin: germline.
Comment: This sequence change replaces valine, which is neutral and non-polar, with glycine, which is neutral and non-polar, at codon 407 of the BUB1B protein (p.Val407Gly). This variant is present in population databases (rs750703763, gnomAD 0.006%). This variant has not been reported in the literature in individuals affected with BUB1B-related conditions. ClinVar contains an entry for this variant (Variation ID: 576844). An algorithm developed to predict the effect of missense changes on protein structure and function (PolyPhen-2) suggests that this variant is likely to be disruptive. In summary, the available evidence is currently insufficient to determine the role of this variant in disease. Therefore, it has been classified as a Variant of Uncertain Significance.

Ambry Genetics
Classification: Uncertain significance for Inborn genetic diseases. Last evaluated: 2024-12-14. Review status: criteria provided, single submitter. Criteria: Ambry Variant Classification Scheme 2023. Collection method: clinical testing. Allele origin: germline.

NM_001211.6(BUB1B):c.1220T>G (p.Val407Gly)

Gene: BUB1B (BUB1 mitotic checkpoint serine/threonine kinase B; plus strand). Cytogenetic location: 15q15.1.
Variant type: single nucleotide variant.
Coding change: c.1220T>G on transcript NM_001211.6 (MANE Select); coding-DNA position 1220, T replaced by G.
Protein change: p.Val407Gly; replaces valine 407 with glycine.
Molecular consequence: missense variant.
Genome position (GRCh38, 1-based): chr15:40,196,706, T>G. VCF-style: chr15-40196706-T-G. GRCh37 (hg19) VCF-style: chr15-40488907-T-G.
Other names: short protein forms V407G.
Identifiers: ClinVar variation 576844 (VCV000576844.15), dbSNP rs750703763, ClinGen allele CA7475676.